The following is an entry in ClinVar:

NM_198578.4(LRRK2):c.7029-3T>G

Gene: LRRK2 (leucine rich repeat kinase 2; plus strand). Cytogenetic location: 12q12.
Variant type: single nucleotide variant.
Coding change: c.7029-3T>G on transcript NM_198578.4 (MANE Select); 3 bases into the intron before coding-DNA position 7029, T replaced by G.
Molecular consequence: intron variant.
Genome position (GRCh38, 1-based): chr12:40,363,399, T>G. VCF-style: chr12-40363399-T-G. GRCh37 (hg19) VCF-style: chr12-40757201-T-G.
Identifiers: ClinVar variation 2854915 (VCV002854915.3), dbSNP rs199932095, ClinGen allele CA688734149.
Genomic context (GRCh38, chr12:40,363,399, plus strand): 5'-TACACGTAGAAATTTTAAGAAGAAAACAAATAGTGATGACTTTCTATTTTTTTTTCTCTG[T>G]AGGTTTTCTTATGCAGCTTTCAGTGATTCCAACATCATAACAGTGGTGGTAGACACTGCT-3'

ClinVar aggregate classification (germline): Uncertain significance (1 of 4 stars; one submission).

Conditions:
Autosomal dominant Parkinson disease 8. Also called: LRRK2-Related Parkinson Disease; Parkinson disease 8; Parkinson disease 8, susceptibility to. Identifiers: Orphanet 411602, MedGen C1846862, MONDO:0011764, OMIM 607060.

gnomAD v4.1: 11 of 1,610,582 alleles (0.00068%); highest among the groups gnomAD compares: Non-Finnish European, 0.00085%; no homozygotes.

Submission:

Labcorp Genetics (formerly Invitae), Labcorp
Classification: Uncertain significance for Autosomal dominant Parkinson disease 8. Last evaluated: 2023-06-04. Review status: criteria provided, single submitter. Criteria: Invitae Variant Classification Sherloc (09022015). Collection method: clinical testing. Allele origin: germline.
Comment: In summary, the available evidence is currently insufficient to determine the role of this variant in disease. Therefore, it has been classified as a Variant of Uncertain Significance. Variants that disrupt the consensus splice site are a relatively common cause of aberrant splicing (PMID: 17576681, 9536098). Algorithms developed to predict the effect of sequence changes on RNA splicing suggest that this variant is not likely to affect RNA splicing. This variant has not been reported in the literature in individuals affected with LRRK2-related conditions. This variant is not present in population databases (gnomAD no frequency). This sequence change falls in intron 47 of the LRRK2 gene. It does not directly change the encoded amino acid sequence of the LRRK2 protein. It affects a nucleotide within the consensus splice site.

Literature cited by the submitters: PubMed 17576681; PubMed 9536098.